The following is an entry in ClinVar:

NM_001931.5(DLAT):c.1712T>C (p.Phe571Ser)

Genes: DLAT (dihydrolipoamide S-acetyltransferase; plus strand), PIH1D2 (PIH1 domain containing 2; minus strand). Cytogenetic location: 11q23.1.
Variant type: single nucleotide variant.
Coding change: c.1712T>C on transcript NM_001931.5 (MANE Select); coding-DNA position 1712, T replaced by C.
Protein change: p.Phe571Ser; replaces phenylalanine 571 with serine.
Molecular consequence: missense variant. On other transcripts: non-coding transcript variant (1).
Genome position (GRCh38, 1-based): chr11:112,061,072, T>C. VCF-style: chr11-112061072-T-C. GRCh37 (hg19) VCF-style: chr11-111931796-T-C.
Other names: c.1730T>C, p.Phe577Ser (NM_001372031.1); c.1706T>C, p.Phe569Ser (NM_001372032.1); c.1691T>C, p.Phe564Ser (NM_001372033.1); c.1679T>C, p.Phe560Ser (NM_001372034.1); c.1604T>C, p.Phe535Ser (NM_001372035.1); c.1586T>C, p.Phe529Ser (NM_001372036.1); c.1544T>C, p.Phe515Ser (NM_001372037.1); c.1433T>C, p.Phe478Ser (NM_001372038.1); and 4 more; short protein forms F569S, F571S, F417S, F466S, F515S, F564S, F444S, F535S.
Identifiers: ClinVar variation 838535 (VCV000838535.9), dbSNP rs782810132, ClinGen allele CA6277001.
Genomic context (GRCh38, chr11:112,061,072, plus strand): 5'-TTTATTTTTAATTTTTTTTCCTCTAGGGTGGCACTTTTACGATCTCCAATTTAGGAATGT[T>C]TGGAATTAAGAATTTCTCTGCTATTATTAACCCACCTCAAGCATGTATTTTGGCAATTGG-3'
Protein context (NP_001922.2, residues 561-581): GTFTISNLGM[Phe571Ser]GIKNFSAIIN

ClinVar aggregate classification (germline): Uncertain significance (1 of 4 stars; one submission).

Conditions:
Pyruvate dehydrogenase E2 deficiency (PDHDD). Also called: Dihydrolipoamide Acetyltransferase (E2) Deficiency; LACTIC ACIDEMIA DUE TO DEFECT OF E2 LIPOYL TRANSACETYLASE OF THE PYRUVATE DEHYDROGENASE COMPLEX. Identifiers: Orphanet 765, Orphanet 79244, MedGen C1855565, MONDO:0009502, OMIM 245348.

Allele frequency attached by ClinVar (database versions not stated): gnomAD exomes below 0.00001; ExAC 0.00001.

Submission:

Labcorp Genetics (formerly Invitae), Labcorp
Classification: Uncertain significance for Pyruvate dehydrogenase E2 deficiency. Last evaluated: 2019-11-26. Review status: criteria provided, single submitter. Criteria: Invitae Variant Classification Sherloc (09022015). Collection method: clinical testing. Allele origin: germline.
Comment: Algorithms developed to predict the effect of missense changes on protein structure and function (SIFT, PolyPhen-2, Align-GVGD) all suggest that this variant is likely to be tolerated, but these predictions have not been confirmed by published functional studies and their clinical significance is uncertain. This variant has not been reported in the literature in individuals with DLAT-related conditions. This variant is present in population databases (rs782810132, ExAC 0.02%). This sequence change replaces phenylalanine with serine at codon 571 of the DLAT protein (p.Phe571Ser). The phenylalanine residue is moderately conserved and there is a large physicochemical difference between phenylalanine and serine. In summary, the available evidence is currently insufficient to determine the role of this variant in disease. Therefore, it has been classified as a Variant of Uncertain Significance.